The following is an entry in ClinVar:

NM_001267550.2(TTN):c.11910A>T (p.Thr3970=)

Gene: TTN (titin; minus strand). Cytogenetic location: 2q31.2.
Variant type: single nucleotide variant.
Coding change: c.11910A>T on transcript NM_001267550.2 (MANE Select); coding-DNA position 11910, A replaced by T.
Protein change: p.Thr3970=; no amino-acid change (threonine 3970 retained).
Molecular consequence: synonymous variant. On other transcripts: intron variant (1).
Genome position (GRCh38, 1-based): chr2:178,741,323, T>A on the plus strand (A>T on the coding strand, the complement: TTN is on the minus strand). VCF-style: chr2-178741323-T-A. GRCh37 (hg19) VCF-style: chr2-179606050-T-A.
Other names: c.10959A>T, p.Thr3653= (NM_001256850.1); c.10821A>T, p.Thr3607= (NM_003319.4); c.11397A>T, p.Thr3799= (NM_133437.4); c.10361-2963A>T (NM_133378.4); c.11196A>T, p.Thr3732= (NM_133432.3).
Identifiers: ClinVar variation 166241 (VCV000166241.25), dbSNP rs727503660, ClinGen allele CA179042.

ClinVar aggregate classification (germline): Conflicting classifications of pathogenicity. Review status: criteria provided, conflicting classifications (1 of 4 stars). 8 submissions from 8 submitters: Uncertain significance (1); Benign (1); Likely benign (6). Last evaluated 2026-04-29.

Conditions:
TTN-related disorder. Also called: TTN-related condition; TTN-related disease; TTN-related disorders.
Cardiovascular phenotype. Identifiers: MedGen CN230736.
Dilated cardiomyopathy 1G (CMD1G). Identifiers: Orphanet 154, MedGen C1858763, MONDO:0011400, OMIM 604145.
Autosomal recessive limb-girdle muscular dystrophy type 2J (LGMDR10). Also called: Limb-girdle muscular dystrophy, type 2J; MUSCULAR DYSTROPHY, LIMB-GIRDLE, AUTOSOMAL RECESSIVE 10. Identifiers: Orphanet 140922, MedGen C1837342, MONDO:0012127, OMIM 608807.

Allele frequency attached by ClinVar (database versions not stated): ExAC 0.00002; TOPMed 0.00002; gnomAD 0.00003 and 0.00004; gnomAD exomes 0.00003.
gnomAD v4.1: 17 of 1,613,786 alleles (0.0011%); highest among the groups gnomAD compares: Non-Finnish European, 0.0014%; no homozygotes.

Submissions (8):

PreventionGenetics, part of Exact Sciences
Classification: Likely benign for TTN-related condition. Last evaluated: 2026-04-29. Review status: criteria provided, single submitter. Criteria: ACMG Guidelines, 2015. Collection method: clinical testing. Allele origin: germline.
Comment: This variant is classified as likely benign based on ACMG/AMP sequence variant interpretation guidelines (Richards et al. 2015 PMID: 25741868, with internal and published modifications).

Labcorp Genetics (formerly Invitae), Labcorp
Classification: Likely benign for Dilated cardiomyopathy 1G; Autosomal recessive limb-girdle muscular dystrophy type 2J. Last evaluated: 2025-10-02. Review status: criteria provided, single submitter. Criteria: Invitae Variant Classification Sherloc (09022015). Collection method: clinical testing. Allele origin: germline.

Molecular Diagnostic Laboratory for Inherited Cardiovascular Disease, Montreal Heart Institute
Classification: Likely benign. Last evaluated: 2025-04-09. Review status: criteria provided, single submitter. Criteria: ACMG Guidelines, 2015. Collection method: clinical testing. Allele origin: germline. Affected: no.

Blueprint Genetics
Classification: Likely benign. Last evaluated: 2023-09-21. Review status: criteria provided, single submitter. Criteria: ACMG Guidelines, 2015. Collection method: clinical testing. Allele origin: germline.

Ambry Genetics
Classification: Likely benign for Cardiovascular phenotype. Last evaluated: 2020-12-30. Review status: criteria provided, single submitter. Criteria: Ambry Variant Classification Scheme 2023. Collection method: clinical testing. Allele origin: germline.

Eurofins Ntd Llc (ga)
Classification: Uncertain significance. Last evaluated: 2017-05-24. Review status: criteria provided, single submitter. Criteria: EGL Classification Definitions 2015. Collection method: clinical testing. Allele origin: germline. Observed: 1 variant allele, 1 heterozygote.

GeneDx
Classification: Benign. Last evaluated: 2015-05-06. Review status: criteria provided, single submitter. Criteria: GeneDx Variant Classification Process June 2021. Collection method: clinical testing. Allele origin: germline. Affected: yes.

Laboratory for Molecular Medicine, Mass General Brigham Personalized Medicine
Classification: Likely benign. Last evaluated: 2014-05-28. Review status: criteria provided, single submitter. Criteria: LMM Criteria. Collection method: clinical testing. Allele origin: germline. Observed: 1 variant allele.
Comment: Thr3732Thr in exon 45B of TTN: This variant is not expected to have clinical sig nificance because it does not alter an amino acid residue and is not located wit hin the splice consensus sequence.